The following is an entry in ClinVar:

NM_201548.5(CERKL):c.497C>T (p.Pro166Leu)

Gene: CERKL (CERK like autophagy regulator; minus strand). Cytogenetic location: 2q31.3.
Variant type: single nucleotide variant.
Coding change: c.497C>T on transcript NM_201548.5 (MANE Select); coding-DNA position 497, C replaced by T.
Protein change: p.Pro166Leu; replaces proline 166 with leucine.
Molecular consequence: missense variant. On other transcripts: non-coding transcript variant (1), intron variant (2).
Genome position (GRCh38, 1-based): chr2:181,573,869, G>A on the plus strand (C>T on the coding strand, the complement: CERKL is on the minus strand). VCF-style: chr2-181573869-G-A. GRCh37 (hg19) VCF-style: chr2-182438596-G-A.
Other names: c.497C>T, p.Pro166Leu (NM_001030313.3, NM_001030311.3); c.482-24161C>T (NM_001030312.3); c.482-7748C>T (NM_001160277.2); short protein forms P166L.
Identifiers: ClinVar variation 1213972 (VCV001213972.11), dbSNP rs1344137236, ClinGen allele CA349744246.

ClinVar aggregate classification (germline): Conflicting classifications of pathogenicity. Review status: criteria provided, conflicting classifications (1 of 4 stars). 3 submissions from 3 submitters: Pathogenic (1); Uncertain significance (2). Last evaluated 2026-01-24.

Conditions:
Retinitis pigmentosa 26 (RP26). Identifiers: Orphanet 791, MedGen C1842127, MONDO:0012024, OMIM 608380.
Retinal dystrophy. Also called: Inherited retinal dystrophy. Identifiers: Orphanet 71862, MedGen C0854723, MeSH D058499, MONDO:0019118, HP:0000556.

Allele frequency attached by ClinVar (database versions not stated): gnomAD exomes below 0.00001 and 0.00001; gnomAD 0.00002; TOPMed 0.00002.
gnomAD v4.1: 8 of 1,612,144 alleles (0.0005%); highest among the groups gnomAD compares: African/African-American, 0.0027%; no homozygotes.

Submissions (3):

Labcorp Genetics (formerly Invitae), Labcorp
Classification: Pathogenic. Last evaluated: 2026-01-24. Review status: criteria provided, single submitter. Criteria: Invitae Variant Classification Sherloc (09022015). Collection method: clinical testing. Allele origin: germline.
Comment: This sequence change replaces proline, which is neutral and non-polar, with leucine, which is neutral and non-polar, at codon 166 of the CERKL protein (p.Pro166Leu). This variant is present in population databases (no rsID available, gnomAD 0.003%). This missense change has been observed in individuals with clinical features of inherited retinal dystrophy (PMID: 31106028; internal data). ClinVar contains an entry for this variant (Variation ID: 1213972). Invitae Evidence Modeling of protein sequence and biophysical properties (such as structural, functional, and spatial information, amino acid conservation, physicochemical variation, residue mobility, and thermodynamic stability) indicates that this missense variant is expected to disrupt CERKL protein function with a positive predictive value of 95%. For these reasons, this variant has been classified as Pathogenic.

Institute of Human Genetics, Univ. Regensburg, Univ. Regensburg
Classification: Uncertain significance for Retinal dystrophy. Last evaluated: 2023-01-01. Review status: criteria provided, single submitter. Criteria: ACMG Guidelines, 2015. Collection method: clinical testing. Allele origin: germline. Affected: yes.

DBGen Ocular Genomics
Classification: Uncertain significance for Retinitis pigmentosa 26. Last evaluated: 2021-06-02. Review status: criteria provided, single submitter. Criteria: ACMG Guidelines, 2015. Collection method: clinical testing. Allele origin: germline. Affected: yes. Observed: 1 variant allele.

Literature cited by the submitters: PubMed 31106028 (cited by Labcorp Genetics (formerly Invitae), Labcorp and Institute of Human Genetics, Univ. Regensburg, Univ. Regensburg).